The following is an entry in ClinVar:

NM_001099922.3(ALG13):c.3017A>G (p.Gln1006Arg)

Gene: ALG13 (ALG13 UDP-N-acetylglucosaminyltransferase subunit; plus strand). Cytogenetic location: Xq23.
Variant type: single nucleotide variant.
Coding change: c.3017A>G on transcript NM_001099922.3 (MANE Select); coding-DNA position 3017, A replaced by G.
Protein change: p.Gln1006Arg; replaces glutamine 1006 with arginine.
Molecular consequence: missense variant. On other transcripts: non-coding transcript variant (1).
Genome position (GRCh38, 1-based): chrX:111,757,631, A>G. VCF-style: chrX-111757631-A-G. GRCh37 (hg19) VCF-style: chrX-111000859-A-G.
Other names: c.2468A>G, p.Gln823Arg (NM_001257230.2, NM_001257234.2, NM_001257237.2); c.2783A>G, p.Gln928Arg (NM_001257231.2); c.2780A>G, p.Gln927Arg (NM_001324292.2); c.2294A>G, p.Gln765Arg (NM_001324293.1); short protein forms Q823R, Q1006R, Q928R, Q927R, Q765R.
Identifiers: ClinVar variation 473113 (VCV000473113.9), dbSNP rs753692221, ClinGen allele CA10494030.

ClinVar aggregate classification (germline): Uncertain significance. Review status: criteria provided, multiple submitters, no conflicts (2 of 4 stars). 2 submissions from 2 submitters: Uncertain significance (2). Last evaluated 2024-09-30.

Conditions:
Developmental and epileptic encephalopathy, 36 (DEE36). Also called: ALG13-CDG; Congenital disorder of glycosylation, type Is; Epileptic encephalopathy, early infantile, 36. Identifiers: Orphanet 324422, MedGen C4317295, MONDO:0010472, OMIM 300884.

Allele frequency attached by ClinVar (database versions not stated): ExAC 0.00001; gnomAD exomes 0.00001 and 0.00002; gnomAD 0.00002; TOPMed 0.00002.
gnomAD v4.1: 14 of 1,206,767 alleles (0.0012%); highest among the groups gnomAD compares: Admixed American, 0.0022%; no homozygotes.

Submissions (2):

Women's Health and Genetics/Laboratory Corporation of America, LabCorp
Classification: Uncertain significance. Last evaluated: 2024-09-30. Review status: criteria provided, single submitter. Criteria: LabCorp Variant Classification Summary - May 2015. Collection method: clinical testing. Allele origin: germline.
Comment: Variant summary: ALG13 c.3017A>G (p.Gln1006Arg) results in a conservative amino acid change in the encoded protein sequence. Four of four in-silico tools predict a benign effect of the variant on protein function. The variant allele was found at a frequency of 2e-05 in 197734 control chromosomes. The available data on variant occurrences in the general population are insufficient to allow any conclusion about variant significance. To our knowledge, no occurrence of c.3017A>G in individuals affected with Epileptic Encephalopathy, Early Infantile, 36 and no experimental evidence demonstrating its impact on protein function have been reported. ClinVar contains an entry for this variant (Variation ID: 473113). Based on the evidence outlined above, the variant was classified as uncertain significance.

Labcorp Genetics (formerly Invitae), Labcorp
Classification: Uncertain significance for Developmental and epileptic encephalopathy, 36. Last evaluated: 2024-08-31. Review status: criteria provided, single submitter. Criteria: Invitae Variant Classification Sherloc (09022015). Collection method: clinical testing. Allele origin: germline.
Comment: This sequence change replaces glutamine, which is neutral and polar, with arginine, which is basic and polar, at codon 1006 of the ALG13 protein (p.Gln1006Arg). The frequency data for this variant in the population databases is considered unreliable, as metrics indicate poor data quality at this position in the gnomAD database. This variant has not been reported in the literature in individuals affected with ALG13-related conditions. ClinVar contains an entry for this variant (Variation ID: 473113). An algorithm developed to predict the effect of missense changes on protein structure and function (PolyPhen-2) suggests that this variant is likely to be tolerated. In summary, the available evidence is currently insufficient to determine the role of this variant in disease. Therefore, it has been classified as a Variant of Uncertain Significance.